The following is an entry in ClinVar:

NM_000038.6(APC):c.7106C>T (p.Pro2369Leu)

Gene: APC (APC regulator of Wnt signaling pathway; plus strand). Cytogenetic location: 5q22.2.
Variant type: single nucleotide variant.
Coding change: c.7106C>T on transcript NM_000038.6 (MANE Select); coding-DNA position 7106, C replaced by T.
Protein change: p.Pro2369Leu; replaces proline 2369 with leucine.
Molecular consequence: missense variant.
Genome position (GRCh38, 1-based): chr5:112,842,700, C>T. VCF-style: chr5-112842700-C-T. GRCh37 (hg19) VCF-style: chr5-112178397-C-T.
Other names: c.7106C>T, p.Pro2369Leu (NM_001127510.3, NM_001354895.2); c.7052C>T, p.Pro2351Leu (NM_001127511.3); c.7160C>T, p.Pro2387Leu (NM_001354896.2); c.7136C>T, p.Pro2379Leu (NM_001354897.2); c.7031C>T, p.Pro2344Leu (NM_001354898.2); c.7022C>T, p.Pro2341Leu (NM_001354899.2); c.6983C>T, p.Pro2328Leu (NM_001354900.2); c.6929C>T, p.Pro2310Leu (NM_001354901.2); and 5 more; short protein forms P2278L, P2387L, P2310L, P2351L, P2341L, P2369L, P2086L, P2209L.
Identifiers: ClinVar variation 659672 (VCV000659672.16), dbSNP rs1580678573, ClinGen allele CA16036808.

ClinVar aggregate classification (germline): Uncertain significance. Review status: criteria provided, multiple submitters, no conflicts (2 of 4 stars). 4 submissions from 4 submitters: Uncertain significance (4). Last evaluated 2025-12-18.

Conditions:
Familial adenomatous polyposis 1 (FAP1). Also called: FAMILIAL ADENOMATOUS POLYPOSIS 1, ATTENUATED; POLYPOSIS, ADENOMATOUS INTESTINAL. Identifiers: MedGen C2713442, MONDO:0021056, OMIM 175100. Disease mechanism: loss of function.
Hereditary cancer-predisposing syndrome. Also called: Neoplastic Syndromes, Hereditary; Hereditary neoplastic syndrome; Tumor predisposition; Hereditary Cancer Syndrome. Identifiers: Orphanet 140162, MedGen C0027672, MeSH D009386, MONDO:0015356.

Submissions (4):

Ambry Genetics
Classification: Uncertain significance for Hereditary cancer-predisposing syndrome. Last evaluated: 2025-12-18. Review status: criteria provided, single submitter. Criteria: Ambry Variant Classification Scheme 2023. Collection method: clinical testing. Allele origin: germline.
Comment: The p.P2369L variant (also known as c.7106C>T), located in coding exon 15 of the APC gene, results from a C to T substitution at nucleotide position 7106. The proline at codon 2369 is replaced by leucine, an amino acid with similar properties. This amino acid position is well conserved in available vertebrate species. In addition, in silico predictors for this gene do not accurately predict pathogenicity. Since supporting evidence is limited at this time, the clinical significance of this alteration remains unclear.

Color Diagnostics, LLC DBA Color Health
Classification: Uncertain significance for Hereditary cancer-predisposing syndrome. Last evaluated: 2025-01-14. Review status: criteria provided, single submitter. Criteria: ACMG Guidelines, 2015. Collection method: clinical testing. Allele origin: germline.
Comment: This missense variant replaces proline with leucine at codon 2369 of the APC protein. Computational prediction is inconclusive regarding the impact of this variant on protein structure and function (internally defined REVEL score threshold 0.5 < inconclusive < 0.7, PMID: 27666373). To our knowledge, functional studies have not been reported for this variant. This variant has not been reported in individuals affected with APC-related disorders in the literature. This variant has not been identified in the general population by the Genome Aggregation Database (gnomAD). The available evidence is insufficient to determine the role of this variant in disease conclusively. Therefore, this variant is classified as a Variant of Uncertain Significance.

Labcorp Genetics (formerly Invitae), Labcorp
Classification: Uncertain significance for Familial adenomatous polyposis 1. Last evaluated: 2025-01-12. Review status: criteria provided, single submitter. Criteria: Invitae Variant Classification Sherloc (09022015). Collection method: clinical testing. Allele origin: germline.
Comment: This sequence change replaces proline, which is neutral and non-polar, with leucine, which is neutral and non-polar, at codon 2369 of the APC protein (p.Pro2369Leu). This variant is not present in population databases (gnomAD no frequency). This variant has not been reported in the literature in individuals affected with APC-related conditions. ClinVar contains an entry for this variant (Variation ID: 659672). Invitae Evidence Modeling of protein sequence and biophysical properties (such as structural, functional, and spatial information, amino acid conservation, physicochemical variation, residue mobility, and thermodynamic stability) indicates that this missense variant is not expected to disrupt APC protein function with a negative predictive value of 95%. In summary, the available evidence is currently insufficient to determine the role of this variant in disease. Therefore, it has been classified as a Variant of Uncertain Significance.

GeneDx
Classification: Uncertain significance. Last evaluated: 2022-04-03. Review status: criteria provided, single submitter. Criteria: GeneDx Variant Classification Process June 2021. Collection method: clinical testing. Allele origin: germline. Affected: yes.
Comment: Not observed at significant frequency in large population cohorts (gnomAD); In silico analysis supports that this missense variant has a deleterious effect on protein structure/function; Has not been previously published as pathogenic or benign to our knowledge